The following is an entry in ClinVar:

NM_021021.4(SNTB1):c.571+12964G>A

Gene: SNTB1 (syntrophin beta 1; minus strand). Cytogenetic location: 8q24.12.
Variant type: single nucleotide variant.
Coding change: c.571+12964G>A on transcript NM_021021.4 (MANE Select); 12964 bases into the intron after coding-DNA position 571, G replaced by A.
Molecular consequence: intron variant.
Genome position (GRCh38, 1-based): chr8:120,798,309, C>T on the plus strand (G>A on the coding strand, the complement: SNTB1 is on the minus strand). VCF-style: chr8-120798309-C-T. GRCh37 (hg19) VCF-style: chr8-121810549-C-T.
Identifiers: ClinVar variation 430630 (VCV000430630.3), dbSNP rs10090787, ClinGen allele CA15545982.

ClinVar aggregate classification (germline): association (1 of 4 stars; one submission).

Conditions:
Lip and oral cavity carcinoma. Identifiers: MedGen C0220641, MONDO:0023644.

Allele frequency attached by ClinVar (database versions not stated): 1000 Genomes Project 0.31010; 1000 Genomes Project 30x 0.31371; TOPMed 0.33746; gnomAD 0.33925 and 0.34456.
gnomAD v4.1: 51,629 of 151,792 alleles (34%); highest among the groups gnomAD compares: African/African-American, 44%; 9,253 homozygotes.

Submission:

Department of Biological Science, Sunandan Divatia School of Science, NMIMS University
Classification: association for Lip and oral cavity carcinoma. Last evaluated: 2016-01-01. Review status: criteria provided, single submitter. Criteria: Submitter's publication. Collection method: case-control. Allele origin: germline. Inheritance: Oligogenic inheritance. Affected: yes. Observed: 228 variant alleles, 228 homozygotes. Clinical features observed: Neoplasm of the oral cavity.
Comment: The homozygous WT (CC) genotype showed a higher frequency in cases as compared to controls and indicated decreased risk to oral cancer with an OR 0.774 (0.60-0.99).